The following is an entry in ClinVar:

ClinVar aggregate classification (germline): Uncertain significance (1 of 4 stars; one submission).

gnomAD v4.1: 1 of 1,031,296 alleles (0.000097%); highest among the groups gnomAD compares: Non-Finnish European, 0.00014%; no homozygotes.

Submission:

CeGaT Center for Human Genetics Tuebingen
Classification: Uncertain significance. Last evaluated: 2024-12-01. Review status: criteria provided, single submitter. Criteria: CeGaT Center For Human Genetics Tuebingen Variant Classification Criteria Version 2. Collection method: clinical testing. Allele origin: germline. Affected: yes. Observed: 1 variant allele.
Comment: HUWE1: PM2, BP4

NM_031407.7(HUWE1):c.1489+8A>G

Gene: HUWE1 (HECT, UBA and WWE domain containing E3 ubiquitin protein ligase 1; minus strand). Cytogenetic location: Xp11.22.
Variant type: single nucleotide variant.
Coding change: c.1489+8A>G on transcript NM_031407.7 (MANE Select); 8 bases into the intron after coding-DNA position 1489, A replaced by G.
Molecular consequence: intron variant.
Genome position (GRCh38, 1-based): chrX:53,627,402, T>C on the plus strand (A>G on the coding strand, the complement: HUWE1 is on the minus strand). VCF-style: chrX-53627402-T-C. GRCh37 (hg19) VCF-style: chrX-53654353-T-C.
Identifiers: ClinVar variation 3771979 (VCV003771979.13).